The following is an entry in ClinVar:

ClinVar aggregate classification (germline): Likely pathogenic. Review status: reviewed by expert panel (3 of 4 stars). 9 submissions from 9 submitters: Likely pathogenic (1). 8 of the submissions do not count toward it. Last evaluated 2025-05-23.

Conditions:
BRCA2-related cancer predisposition. Identifiers: MedGen CN377758, MONDO:0700269.
Hereditary cancer-predisposing syndrome. Also called: Hereditary neoplastic syndrome; Tumor predisposition; Neoplastic Syndromes, Hereditary; Hereditary Cancer Syndrome. Identifiers: Orphanet 140162, MedGen C0027672, MeSH D009386, MONDO:0015356.
Hereditary breast ovarian cancer syndrome. Also called: Hereditary breast and ovarian cancer syndrome; Hereditary breast and ovarian cancer syndrome (HBOC); Hereditary breast and ovarian cancer; Breast and ovarian cancer; BRCA1- and BRCA2-Associated Hereditary Breast and Ovarian Cancer; Hereditary breast and/or ovarian cancer syndrome. Identifiers: Orphanet 145, MedGen C0677776, MeSH D061325, MONDO:0003582. Disease mechanism: loss of function.
Breast-ovarian cancer, familial, susceptibility to, 2 (BROVCA2). Also called: BRCA2 Hereditary Breast and Ovarian Cancer. Identifiers: Orphanet 145, MedGen C2675520, MONDO:0012933, OMIM 612555. Disease mechanism: loss of function.

Submissions (9):

ClinGen ENIGMA BRCA1 and BRCA2 Variant Curation Expert Panel, ClinGen
Classification: Likely pathogenic for BRCA2-related cancer predisposition. Last evaluated: 2025-05-23. Review status: reviewed by expert panel. Criteria: CSpec BRCA1/2ACMG Rules Specifications V1.2. Collection method: curation. Allele origin: germline. Inheritance: Autosomal dominant inheritance.
Comment: The variant c.7857G>C in BRCA2 is a missense variant predicted to cause substitution of Tryptophan by Cysteine at amino acid 2619 (p.Trp2619Cys). This variant is absent from gnomAD v2.1 (exomes only, non-cancer subset, read depth ≥25) and gnomAD v3.1 (non-cancer subset, read depth ≥25) (PM2_Supporting met). This BRCA2 missense variant is within a key functional domain and the computational predictor BayesDel (noAF) gives a score of 0.49, above the recommended threshold of 0.30 for prediction of impact on BRCA2 function via protein change. A SpliceAI score of 0.17 indicates an unclear predicted impact on splicing (score threshold 0.10-0.20) (PP3 met). Reported by four calibrated studies to exhibit protein function similar to pathogenic control variants (PMIDs: 38417439, 32444794, 39779857, 39779848) (PS3 met). Multifactorial likelihood ratio analysis using clinically calibrated data produced a combined LR for this variant of 1.81 (based on Family History LR=1.81), which is above the ENIGMA BRCA1/2 VCEP threshold for BP5 (>0.48) and below PP4 (<2.08) (BP5 and PP4 not met; PMIDs 31853058). In summary, this variant meets the criteria to be classified as a likely pathogenic variant for BRCA2-related cancer predisposition based on the ACMG/AMP criteria applied as specified by the ENIGMA BRCA1/2 VCEP (PS3, PM2_Supporting, PP3).

Color Diagnostics, LLC DBA Color Health
Classification: Likely pathogenic for Hereditary cancer-predisposing syndrome. Last evaluated: 2025-08-28. Review status: criteria provided, single submitter. Criteria: ACMG Guidelines, 2015. Collection method: clinical testing. Allele origin: germline. Not counted in ClinVar's aggregate classification.
Comment: This missense variant replaces tryptophan with cysteine at codon 2619 of the BRCA2 protein. Computational prediction suggests that this variant may have deleterious impact on protein structure and function. Functional studies have reported that this variant impacted BRCA2 in a homology-directed DNA repair assay, in sensitivity assays to PARP inhibitors, cisplatin and carboplatin and in a haploid cell proliferation assay (PMID: 32444794, 33609447, 39779848, 39779857). This variant has been reported in at least two individuals affected with breast or ovarian cancer (PMID: 29681614, 29752822, 31825140). A multifactorial analysis has reported a likelihood ratio for pathogenicity based on personal and family history of 1.81 from log(LR)=0.2576 for one carrier (PMID: 31853058). This variant has not been identified in the general population by the Genome Aggregation Database (gnomAD). Based on the available evidence, this variant is classified as Likely Pathogenic.

Quest Diagnostics Nichols Institute San Juan Capistrano
Classification: Pathogenic. Last evaluated: 2025-04-29. Review status: criteria provided, single submitter. Criteria: Quest Diagnostics criteria. Collection method: clinical testing. Allele origin: unknown. Not counted in ClinVar's aggregate classification.
Comment: The BRCA2 c.7857G>C (p.Trp2619Cys) variant has been reported in the published literature in individuals and families affected with breast and/or ovarian cancer (PMIDs: 31825140 (2019), 30702160 (2019), 29681614 (2018), 29752822 (2018)). Functional studies has shown a damaging effect on protein function (PMIDs: 39779848 (2025), 35979650 (2022), 33609447 (2021), 32444794 (2020)). This variant has not been reported in large, multi-ethnic general populations (Genome Aggregation Database). Analysis of this variant using bioinformatics tools for the prediction of the effect of amino acid changes on protein structure and function yielded predictions that this variant is damaging. Based on the available information, this variant is classified as pathogenic.

Labcorp Genetics (formerly Invitae), Labcorp
Classification: Uncertain significance for Hereditary breast ovarian cancer syndrome. Last evaluated: 2025-04-18. Review status: criteria provided, single submitter. Criteria: Invitae Variant Classification Sherloc (09022015). Collection method: clinical testing. Allele origin: germline. Not counted in ClinVar's aggregate classification.
Comment: This sequence change replaces tryptophan, which is neutral and slightly polar, with cysteine, which is neutral and slightly polar, at codon 2619 of the BRCA2 protein (p.Trp2619Cys). This variant is not present in population databases (gnomAD no frequency). This missense change has been observed in individual(s) with personal and/or family history of breast and/or ovarian cancer (PMID: 29681614, 29752822, 30702160). ClinVar contains an entry for this variant (Variation ID: 438744). Invitae Evidence Modeling incorporating data from in vitro experimental studies (PMID: 33609447) indicates that this missense variant is expected to disrupt BRCA2 function with a positive predictive value of 95%. Experimental studies have shown that this missense change affects BRCA2 function (PMID: 33609447). In summary, the available evidence is currently insufficient to determine the role of this variant in disease. Therefore, it has been classified as a Variant of Uncertain Significance.

Department of Pathology and Laboratory Medicine, Sinai Health System
Classification: Likely pathogenic for BRCA2-related cancer predisposition. Last evaluated: 2025-01-13. Review status: criteria provided, single submitter. Criteria: ACMG Guidelines, 2015. Collection method: clinical testing. Allele origin: germline. Not counted in ClinVar's aggregate classification.

Ambry Genetics
Classification: Pathogenic for Hereditary cancer-predisposing syndrome. Last evaluated: 2023-04-12. Review status: criteria provided, single submitter. Criteria: Ambry Variant Classification Scheme 2023. Collection method: clinical testing. Allele origin: germline. Not counted in ClinVar's aggregate classification.
Comment: The p.W2619C pathogenic mutation (also known as c.7857G>C), located in coding exon 16 of the BRCA2 gene, results from a G to C substitution at nucleotide position 7857. The tryptophan at codon 2619 is replaced by cysteine, an amino acid with highly dissimilar properties. This alteration has been identified in several Chinese breast and/or ovarian cancer cohorts (Yang H et al. Science, 2002 Sep;297:1837-48; Liang Y et al. Med. Sci. Monit., 2018 Apr;24:2465-2475; Li JY et al. Int. J. Cancer, 2019 01;144:281-289; Bhaskaran SP et al. Int. J. Cancer, 2019 08;145:962-973; Gao X et al. Hum. Mutat., 2019 Dec). This variant was non-functional in a homology-directed DNA repair (HDR) assay (Richardson ME et al. Am J Hum Genet, 2021 Mar;108:458-468). Two other alterations at the same codon, p.W2619G (c.7855T>G) and p.W2619R (c.7855T>C), have also been found to be non-functional in a homology-directed DNA repair (HDR) assay and have been reported as either likely pathogenic or pathogenic by our laboratory (Ambry internal data). This amino acid position is highly conserved in available vertebrate species. In addition, this alteration is predicted to be deleterious by in silico analysis. This variant was not reported in population-based cohorts in the Genome Aggregation Database (gnomAD) (Lek M et al. Nature, 2016 08;536:285-91). Based on the supporting evidence, this alteration is interpreted as a disease-causing mutation.

School of Basic Medicine, Fourth Military Medical University
Classification: Likely pathogenic for Breast-ovarian cancer, familial, susceptibility to, 2. Last evaluated: 2017-09-19. Review status: criteria provided, single submitter. Criteria: ACMG Guidelines, 2015. Collection method: research. Allele origin: germline. Inheritance: Autosomal dominant inheritance. Affected: yes. Observed: 1 variant allele, 1 heterozygote. Not counted in ClinVar's aggregate classification.

Juno Genomics, Hangzhou Juno Genomics, Inc
Classification: Likely pathogenic for Breast-ovarian cancer, familial, susceptibility to, 2. Review status: criteria provided, single submitter. Criteria: ACMG Guidelines, 2015. Collection method: clinical testing. Allele origin: germline. Not counted in ClinVar's aggregate classification.
Comment: Absent from controls (or at extremely low frequency if recessive) in Genome Aggregation Database.;Well-established in vitro or in vivo functional studies supportive of a damaging effect on the gene or gene product.;Multiple lines of computational evidence support a deleterious effect on the gene or gene product.

BRCAlab, Lund University
Classification: Uncertain significance for Breast-ovarian cancer, familial, susceptibility to, 2. Last evaluated: 2020-03-02. Review status: no assertion criteria provided. Collection method: clinical testing. Allele origin: germline. Affected: yes. Not counted in ClinVar's aggregate classification.

Literature cited by the submitters: PubMed 32444794 (cited by 3 submitters); PubMed 33609447 (cited by 6 submitters); PubMed 29681614 (cited by 5 submitters); PubMed 29752822 (cited by 5 submitters); PubMed 31825140 (cited by 4 submitters); PubMed 31853058 (cited by Color Diagnostics, LLC DBA Color Health); PubMed 39779848 (cited by Color Diagnostics, LLC DBA Color Health and Quest Diagnostics Nichols Institute San Juan Capistrano); PubMed 39779857 (cited by Color Diagnostics, LLC DBA Color Health); PubMed 32566972 (cited by Quest Diagnostics Nichols Institute San Juan Capistrano); PubMed 35979650 (cited by Quest Diagnostics Nichols Institute San Juan Capistrano); PubMed 39409152 (cited by Quest Diagnostics Nichols Institute San Juan Capistrano); PubMed 30702160 (cited by 3 submitters); PubMed 12228710 (cited by Ambry Genetics).

NM_000059.4(BRCA2):c.7857G>C (p.Trp2619Cys)

Gene: BRCA2 (BRCA2 DNA repair associated; plus strand). Cytogenetic location: 13q13.1.
Variant type: single nucleotide variant.
Coding change: c.7857G>C on transcript NM_000059.4 (MANE Select); coding-DNA position 7857, G replaced by C.
Protein change: p.Trp2619Cys; replaces tryptophan 2619 with cysteine.
Molecular consequence: missense variant.
Genome position (GRCh38, 1-based): chr13:32,362,574, G>C. VCF-style: chr13-32362574-G-C. GRCh37 (hg19) VCF-style: chr13-32936711-G-C.
Other names: NM_000059.4(BRCA2):c.7857G>C; p.Trp2619Cys; short protein forms W2619C.
Identifiers: ClinVar variation 438744 (VCV000438744.21), dbSNP rs80359011, ClinGen allele CA387747060.
Genomic context (GRCh38, chr13:32,362,574, plus strand): 5'-TTTGTTCAGGGCTCTGTGTGACACTCCAGGTGTGGATCCAAAGCTTATTTCTAGAATTTG[G>C]GTTTATAATCACTATAGATGGATCATATGGAAACTGGCAGCTATGGAATGTGCCTTTCCT-3'
Protein context (NP_000050.3, residues 2609-2629): GVDPKLISRI[Trp2619Cys]VYNHYRWIIW